The following is an entry in ClinVar:

NM_015294.6(TRIM37):c.2131A>G (p.Thr711Ala)

Gene: TRIM37 (tripartite motif containing 37; minus strand). Cytogenetic location: 17q22.
Variant type: single nucleotide variant.
Coding change: c.2131A>G on transcript NM_015294.6 (MANE Select); coding-DNA position 2131, A replaced by G.
Protein change: p.Thr711Ala; replaces threonine 711 with alanine.
Molecular consequence: missense variant. On other transcripts: non-coding transcript variant (2).
Genome position (GRCh38, 1-based): chr17:59,028,541, T>C on the plus strand (A>G on the coding strand, the complement: TRIM37 is on the minus strand). VCF-style: chr17-59028541-T-C. GRCh37 (hg19) VCF-style: chr17-57105902-T-C.
Other names: c.2131A>G, p.Thr711Ala (NM_001005207.5, NM_001320988.3, NM_001320989.3 and 1 more transcripts); c.2029A>G, p.Thr677Ala (NM_001320987.3, NM_001353082.2); c.1765A>G, p.Thr589Ala (NM_001320990.3); c.1396A>G, p.Thr466Ala (NM_001353083.2); c.1669A>G, p.Thr557Ala (NM_001353085.2); c.2080A>G, p.Thr694Ala (NM_001353086.2); short protein forms T466A, T557A, T677A, T589A, T694A, T711A.
Identifiers: ClinVar variation 1427627 (VCV001427627.5), dbSNP rs373529399, ClinGen allele CA8678135.

ClinVar aggregate classification (germline): Uncertain significance (1 of 4 stars; one submission).

Allele frequency attached by ClinVar (database versions not stated): gnomAD exomes below 0.00001 and 0.00001; ExAC 0.00002; ESP Exome Variant Server 0.00008.
gnomAD v4.1: 3 of 1,614,280 alleles (0.00019%); highest among the groups gnomAD compares: Admixed American, 0.0017%; no homozygotes.

Submission:

Labcorp Genetics (formerly Invitae), Labcorp
Classification: Uncertain significance. Last evaluated: 2022-07-06. Review status: criteria provided, single submitter. Criteria: Invitae Variant Classification Sherloc (09022015). Collection method: clinical testing. Allele origin: germline.
Comment: This sequence change replaces threonine, which is neutral and polar, with alanine, which is neutral and non-polar, at codon 711 of the TRIM37 protein (p.Thr711Ala). This variant is present in population databases (rs373529399, gnomAD 0.003%). This variant has not been reported in the literature in individuals affected with TRIM37-related conditions. ClinVar contains an entry for this variant (Variation ID: 1427627). Algorithms developed to predict the effect of missense changes on protein structure and function output the following: SIFT: "Not Available"; PolyPhen-2: "Benign"; Align-GVGD: "Not Available". The alanine amino acid residue is found in multiple mammalian species, which suggests that this missense change does not adversely affect protein function. In summary, the available evidence is currently insufficient to determine the role of this variant in disease. Therefore, it has been classified as a Variant of Uncertain Significance.